The following is an entry in ClinVar:

ClinVar aggregate classification (germline): Uncertain significance (1 of 4 stars; one submission).

Conditions:
Mitochondrial DNA depletion syndrome, encephalomyopathic form with methylmalonic aciduria (MTDPS5). Also called: SUCLA2-Related Mitochondrial DNA Depletion Syndrome, Encephalomyopathic Form with Methylmalonic Aciduria; MITOCHONDRIAL DNA DEPLETION SYNDROME, ENCEPHALOMYOPATHIC FORM, WITH OR WITHOUT METHYLMALONIC ACIDURIA, AUTOSOMAL RECESSIVE, SUCLA2-RELATED; Mitochondrial DNA depletion syndrome 5 (encephalomyopathic with or without methylmalonic aciduria); Mitochondrial encephalomyopathy aminoacidopathy. Identifiers: Orphanet 1933, MedGen C5980207, MONDO:0012791, OMIM 612073.

Allele frequency attached by ClinVar (database versions not stated): gnomAD exomes 0.00001 and 0.00002; ExAC 0.00002; TOPMed 0.00007.
gnomAD v4.1: 3 of 1,613,408 alleles (0.00019%); highest among the groups gnomAD compares: Admixed American, 0.005%; no homozygotes.

Submission:

Labcorp Genetics (formerly Invitae), Labcorp
Classification: Uncertain significance for Mitochondrial DNA depletion syndrome, encephalomyopathic form with methylmalonic aciduria. Last evaluated: 2021-08-28. Review status: criteria provided, single submitter. Criteria: Invitae Variant Classification Sherloc (09022015). Collection method: clinical testing. Allele origin: germline.
Comment: This sequence change replaces leucine with glutamine at codon 371 of the SUCLA2 protein (p.Leu371Gln). The leucine residue is moderately conserved and there is a moderate physicochemical difference between leucine and glutamine. This variant is present in population databases (rs777781997, ExAC 0.03%). This variant has not been reported in the literature in individuals affected with SUCLA2-related conditions. Algorithms developed to predict the effect of missense changes on protein structure and function output the following: SIFT: "Tolerated"; PolyPhen-2: "Benign"; Align-GVGD: "Class C0". The glutamine amino acid residue is found in multiple mammalian species, which suggests that this missense change does not adversely affect protein function. In summary, the available evidence is currently insufficient to determine the role of this variant in disease. Therefore, it has been classified as a Variant of Uncertain Significance.

NM_003850.3(SUCLA2):c.1112T>A (p.Leu371Gln)

Gene: SUCLA2 (succinate-CoA ligase ADP-forming subunit beta; minus strand). Cytogenetic location: 13q14.2.
Variant type: single nucleotide variant.
Coding change: c.1112T>A on transcript NM_003850.3 (MANE Select); coding-DNA position 1112, T replaced by A.
Protein change: p.Leu371Gln; replaces leucine 371 with glutamine.
Molecular consequence: missense variant.
Genome position (GRCh38, 1-based): chr13:47,949,599, A>T on the plus strand (T>A on the coding strand, the complement: SUCLA2 is on the minus strand). VCF-style: chr13-47949599-A-T. GRCh37 (hg19) VCF-style: chr13-48523734-A-T.
Other names: short protein forms L371Q.
Identifiers: ClinVar variation 1506851 (VCV001506851.5), dbSNP rs777781997, ClinGen allele CA6977833.